The following is an entry in ClinVar:

ClinVar aggregate classification (germline): Uncertain significance. Review status: criteria provided, multiple submitters, no conflicts (2 of 4 stars). 2 submissions from 2 submitters: Uncertain significance (2). Last evaluated 2022-12-13.

Conditions:
Inborn genetic diseases. Identifiers: MedGen C0950123, MeSH D030342.
Episodic kinesigenic dyskinesia (EKD). Also called: Paroxysmal kinesigenic dyskinesia. Identifiers: Orphanet 98809, MedGen C1868682, MONDO:0044202.

Allele frequency attached by ClinVar (database versions not stated): TOPMed below 0.00001.

Submissions (2):

Ambry Genetics
Classification: Uncertain significance for Inborn genetic diseases. Last evaluated: 2022-12-13. Review status: criteria provided, single submitter. Criteria: Ambry Variant Classification Scheme 2023. Collection method: clinical testing. Allele origin: germline.

Labcorp Genetics (formerly Invitae), Labcorp
Classification: Uncertain significance for Episodic kinesigenic dyskinesia. Last evaluated: 2022-04-06. Review status: criteria provided, single submitter. Criteria: Invitae Variant Classification Sherloc (09022015). Collection method: clinical testing. Allele origin: germline.
Comment: This sequence change replaces alanine, which is neutral and non-polar, with valine, which is neutral and non-polar, at codon 39 of the PRRT2 protein (p.Ala39Val). This variant is not present in population databases (gnomAD no frequency). This variant has not been reported in the literature in individuals affected with PRRT2-related conditions. Algorithms developed to predict the effect of missense changes on protein structure and function are either unavailable or do not agree on the potential impact of this missense change (SIFT: "Deleterious"; PolyPhen-2: "Possibly Damaging"; Align-GVGD: "Class C0"). In summary, the available evidence is currently insufficient to determine the role of this variant in disease. Therefore, it has been classified as a Variant of Uncertain Significance.

NM_145239.3(PRRT2):c.116C>T (p.Ala39Val)

Genes: MVP-DT (MVP divergent transcript; minus strand), PRRT2 (proline rich transmembrane protein 2; plus strand). Cytogenetic location: 16p11.2.
Variant type: single nucleotide variant.
Coding change: c.116C>T on transcript NM_145239.3 (MANE Select); coding-DNA position 116, C replaced by T.
Protein change: p.Ala39Val; replaces alanine 39 with valine.
Molecular consequence: missense variant.
Genome position (GRCh38, 1-based): chr16:29,813,170, C>T. VCF-style: chr16-29813170-C-T. GRCh37 (hg19) VCF-style: chr16-29824491-C-T.
Other names: c.116C>T, p.Ala39Val (NM_001256442.2, NM_001256443.2); c.116C>T (NM_145239.2); short protein forms A39V.
Identifiers: ClinVar variation 2152981 (VCV002152981.5), dbSNP rs753529940, ClinGen allele CA395477347.
Genomic context (GRCh38, chr16:29,813,170, plus strand): 5'-AGGTTCCAGGCGAAGGGCCTGGCCATTCTGAAGCTGAAACTGGCCCTCCCCAGGTCCTAG[C>T]AGGGGTACCAGACCAGCCAGAGGCCCCGCAGCCAGGTCCAAACACCACTGCGGCCCCTGT-3'
Protein context (NP_660282.2, residues 29-49): EAETGPPQVL[Ala39Val]GVPDQPEAPQ